The following is an entry in ClinVar:

ClinVar aggregate classification (germline): Likely pathogenic (1 of 4 stars; one submission).

Conditions:
Breast-ovarian cancer, familial, susceptibility to, 3. Also called: RAD51C-Related Breast/Ovarian Cancer. Identifiers: Orphanet 145, MedGen C3150659, MONDO:0013253, OMIM 613399.

Submission:

Myriad Genetics, Inc.
Classification: Likely pathogenic for Breast-ovarian cancer, familial, susceptibility to, 3. Last evaluated: 2024-01-03. Review status: criteria provided, single submitter. Criteria: Myriad Autosomal Dominant, Autosomal Recessive and X-Linked Classification Criteria (2023). Collection method: clinical testing. Allele origin: unknown.
Comment: This variant is considered likely pathogenic. This variant occurs within a consensus splice junction and is predicted to result in abnormal mRNA splicing of either an out-of-frame exon or an in-frame exon necessary for protein stability and/or normal function.

NM_058216.3(RAD51C):c.706-1G>C

Gene: RAD51C (RAD51 paralog C; plus strand). Cytogenetic location: 17q22.
Variant type: single nucleotide variant.
Coding change: c.706-1G>C on transcript NM_058216.3 (MANE Select); the canonical splice acceptor site of the intron before coding-DNA position 706, G replaced by C.
Molecular consequence: splice acceptor variant.
Genome position (GRCh38, 1-based): chr17:58,709,858, G>C. VCF-style: chr17-58709858-G-C. GRCh37 (hg19) VCF-style: chr17-56787219-G-C.
Identifiers: ClinVar variation 3148765 (VCV003148765.1), dbSNP rs1555599090, ClinGen allele CA400353036.